The following is an entry in ClinVar:

ClinVar aggregate classification (germline): Benign/Likely benign. Review status: criteria provided, multiple submitters, no conflicts (2 of 4 stars). 10 submissions from 9 submitters: Benign (8); Likely benign (2). Last evaluated 2026-02-03.

Conditions:
Autosomal dominant cerebellar ataxia. Also called: Spinocerebellar Ataxia, Dominant. Identifiers: Orphanet 99, MedGen C4087347, MONDO:0020380.
Charcot-Marie-Tooth disease. Also called: Charcot-Marie-Tooth Neuropathy; Charcot-Marie-Tooth Hereditary Neuropathy. Identifiers: Orphanet 166, MedGen C0007959, MONDO:0015626.
Charcot-Marie-Tooth disease axonal type 2O. Also called: CHARCOT-MARIE-TOOTH NEUROPATHY, AXONAL, TYPE 2O; CHARCOT-MARIE-TOOTH DISEASE, AXONAL, AUTOSOMAL DOMINANT, TYPE 2O; Charcot-Marie-Tooth Neuropathy Type 2O; Charcot-Marie-Tooth disease, axonal, type 20. Identifiers: Orphanet 284232, MedGen C3280220, MONDO:0013644, OMIM 614228.
Inborn genetic diseases. Identifiers: MedGen C0950123, MeSH D030342.

Allele frequency attached by ClinVar (database versions not stated): gnomAD exomes 0.00048 and 0.00125; ExAC 0.00159; 1000 Genomes Project 0.00419; 1000 Genomes Project 30x 0.00468; ESP Exome Variant Server 0.00538; TOPMed 0.00565.
gnomAD v4.1: 1,463 of 1,614,164 alleles (0.091%); highest among the groups gnomAD compares: African/African-American, 1.7%; 15 homozygotes.

Submissions (10):

Labcorp Genetics (formerly Invitae), Labcorp
Classification: Benign for Charcot-Marie-Tooth disease axonal type 2O. Last evaluated: 2026-02-03. Review status: criteria provided, single submitter. Criteria: Invitae Variant Classification Sherloc (09022015). Collection method: clinical testing. Allele origin: germline.

ARUP Laboratories, Molecular Genetics and Genomics, ARUP Laboratories
Classification: Benign. Last evaluated: 2025-03-13. Review status: criteria provided, single submitter. Criteria: ARUP Molecular Germline Variant Investigation Process 2024. Collection method: clinical testing. Allele origin: germline.

Athena Diagnostics
Classification: Benign. Last evaluated: 2024-06-10. Review status: criteria provided, single submitter. Criteria: Athena Diagnostics Criteria. Collection method: clinical testing. Allele origin: unknown.

GeneDx
Classification: Benign. Last evaluated: 2019-02-08. Review status: criteria provided, single submitter. Criteria: GeneDx Variant Classification Process June 2021. Collection method: clinical testing. Allele origin: germline. Affected: yes.

Illumina Laboratory Services, Illumina
Classification: Benign for Charcot-Marie-Tooth disease axonal type 2O. Last evaluated: 2018-01-13. Review status: criteria provided, single submitter. Criteria: ICSL Variant Classification Criteria 13 December 2019. Collection method: clinical testing. Allele origin: germline.
Comment: This variant was observed in the ICSL laboratory as part of a predisposition screen in an ostensibly healthy population. It had not been previously curated by ICSL or reported in the Human Gene Mutation Database (HGMD: prior to June 1st, 2018), and was therefore a candidate for classification through an automated scoring system. Utilizing variant allele frequency, disease prevalence and penetrance estimates, and inheritance mode, an automated score was calculated to assess if this variant is too frequent to cause the disease. Based on the score and internal cut-off values, a variant classified as benign is not then subjected to further curation. The score for this variant resulted in a classification of benign for this disease.

Illumina Laboratory Services, Illumina
Classification: Benign for Spinocerebellar Ataxia, Dominant. Last evaluated: 2018-01-13. Review status: criteria provided, single submitter. Criteria: ICSL Variant Classification Criteria 13 December 2019. Collection method: clinical testing. Allele origin: germline.
Comment: the same text as in the submission from Illumina Laboratory Services, Illumina above.

Ambry Genetics
Classification: Benign for Inborn genetic diseases. Last evaluated: 2016-03-21. Review status: criteria provided, single submitter. Criteria: Ambry Variant Classification Scheme 2023. Collection method: clinical testing. Allele origin: germline.

Mayo Clinic Laboratories, Mayo Clinic
Classification: Benign. Last evaluated: 2016-03-07. Review status: criteria provided, single submitter. Criteria: ACMG Guidelines, 2015. Collection method: clinical testing. Allele origin: germline. Observed: 4 variant alleles.

Breakthrough Genomics
Classification: Likely benign. Review status: criteria provided, single submitter. Criteria: ACMG Guidelines, 2015. Collection method: not provided. Allele origin: germline. Inheritance: Autosomal dominant inheritance. Affected: yes.

Molecular Genetics Laboratory, London Health Sciences Centre
Classification: Likely benign for Charcot-Marie-Tooth disease. Review status: criteria provided, single submitter. Criteria: ACMG Guidelines, 2015. Collection method: clinical testing. Allele origin: germline. Affected: yes.

NM_001376.5(DYNC1H1):c.2721T>C (p.Ile907=)

Gene: DYNC1H1 (dynein cytoplasmic 1 heavy chain 1; plus strand). Cytogenetic location: 14q32.31.
Variant type: single nucleotide variant.
Coding change: c.2721T>C on transcript NM_001376.5 (MANE Select); coding-DNA position 2721, T replaced by C.
Protein change: p.Ile907=; no amino-acid change (isoleucine 907 retained).
Molecular consequence: synonymous variant.
Genome position (GRCh38, 1-based): chr14:101,988,705, T>C. VCF-style: chr14-101988705-T-C. GRCh37 (hg19) VCF-style: chr14-102455042-T-C.
Other names: p.Ile907=.
Identifiers: ClinVar variation 312625 (VCV000312625.28), dbSNP rs114021657, ClinGen allele CA7351879.
Genomic context (GRCh38, chr14:101,988,705, plus strand): 5'-TGCTTTGTGAGCTAACTTTTAGAAGAAACACTGTTCTCTGATATAACGTTGTCTGTAGAT[T>C]GAAAGAATATTGGGCGTCCGTCTGCAAGCTGGCCTGAGAGCTTGGACGCAGGTTCTTCTT-3'
Protein context (NP_001367.2, residues 897-917): PIWVNKLDME[Ile907=]ERILGVRLQA